The following is an entry in ClinVar:

NM_031443.4(CCM2):c.42_43insATTTAAACGAGTATTTAAA (p.Ser15delinsIleTer)

Gene: CCM2 (CCM2 scaffold protein; plus strand). Cytogenetic location: 7p13.
Variant type: Insertion.
Coding change: c.42_43insATTTAAACGAGTATTTAAA on transcript NM_031443.4 (MANE Select); coding-DNA positions 42 to 43, ATTTAAACGAGTATTTAAA inserted.
Protein change: p.Ser15delinsIleTer.
Molecular consequence: nonsense. On other transcripts: non-coding transcript variant (1), intron variant (2).
Genome position: GRCh38 VCF-style: chr7-45038264-C-CATTTAAACGAGTATTTAAA. GRCh37 (hg19) VCF-style: chr7-45077863-C-CATTTAAACGAGTATTTAAA.
Other names: c.105_106insATTTAAACGAGTATTTAAA, p.Ser36delinsIleTer (NM_001029835.2); c.42_43insATTTAAACGAGTATTTAAA, p.Ser15delinsIleTer (NM_001167935.2, NM_001363458.2); c.31-25654_31-25653insATTTAAACGAGTATTTAAA (NM_001363459.2, NM_001167934.2).
Identifiers: ClinVar variation 468336 (VCV000468336.4), dbSNP rs1554365511, ClinGen allele CA658657671.

ClinVar aggregate classification (germline): Pathogenic (1 of 4 stars; one submission).

Conditions:
Cerebral cavernous malformation 2. Also called: Familial Cerebral Cavernous Malformation 2. Identifiers: Orphanet 221061, MedGen C1864041, MONDO:0011304, OMIM 603284.

Submission:

Labcorp Genetics (formerly Invitae), Labcorp
Classification: Pathogenic for Cerebral cavernous malformation 2. Last evaluated: 2016-08-11. Review status: criteria provided, single submitter. Criteria: Invitae Variant Classification Sherloc (09022015). Collection method: clinical testing. Allele origin: germline.
Comment: For these reasons, this variant has been classified as Pathogenic. While this particular variant has not been reported in the literature, loss-of-function variants in CCM2 are known to be pathogenic (PMID: 14624391). This sequence change creates a premature translational stop signal at codon 16 (p.Val14_Ser15insIle*) of the CCM2 gene. It is expected to result in an absent or disrupted protein product.

Literature cited by the submitters: PubMed 14624391.